The following is an entry in ClinVar:

ClinVar aggregate classification (germline): Pathogenic. Review status: criteria provided, multiple submitters, no conflicts (2 of 4 stars). 2 submissions from 2 submitters: Pathogenic (2). Last evaluated 2024-10-07.

Conditions:
NIPAL4-related disorders.

gnomAD v4.1: 3 of 1,613,568 alleles (0.00019%); highest among the groups gnomAD compares: Non-Finnish European, 0.00025%; no homozygotes.

Submissions (2):

Labcorp Genetics (formerly Invitae), Labcorp
Classification: Pathogenic. Last evaluated: 2024-10-07. Review status: criteria provided, single submitter. Criteria: Invitae Variant Classification Sherloc (09022015). Collection method: clinical testing. Allele origin: germline.
Comment: This sequence change replaces glycine, which is neutral and non-polar, with arginine, which is basic and polar, at codon 297 of the NIPAL4 protein (p.Gly297Arg). This variant is present in population databases (rs375688767, gnomAD 0.0009%). This missense change has been observed in individual(s) with autosomal recessive congenital ichthyosis (PMID: 15317751, 22098531, 27025581). It has also been observed to segregate with disease in related individuals. Invitae Evidence Modeling of protein sequence and biophysical properties (such as structural, functional, and spatial information, amino acid conservation, physicochemical variation, residue mobility, and thermodynamic stability) indicates that this missense variant is expected to disrupt NIPAL4 protein function with a positive predictive value of 80%. For these reasons, this variant has been classified as Pathogenic.

Blueprint Genetics
Classification: Pathogenic for NIPAL4-related disorders. Last evaluated: 2024-02-08. Review status: criteria provided, single submitter. Criteria: ACMG Guidelines, 2015. Collection method: clinical testing. Allele origin: germline. Affected: yes. Observed: 3 variant alleles.

Literature cited by the submitters: PubMed 15317751 (cited by Labcorp Genetics (formerly Invitae), Labcorp); PubMed 22098531 (cited by Labcorp Genetics (formerly Invitae), Labcorp); PubMed 27025581 (cited by Labcorp Genetics (formerly Invitae), Labcorp).

NM_001099287.2(NIPAL4):c.703G>C (p.Gly235Arg)

Gene: NIPAL4 (NIPA like domain containing 4; plus strand). Cytogenetic location: 5q33.3.
Variant type: single nucleotide variant.
Coding change: c.703G>C on transcript NM_001099287.2 (MANE Select); coding-DNA position 703, G replaced by C.
Protein change: p.Gly235Arg; replaces glycine 235 with arginine.
Molecular consequence: missense variant.
Genome position (GRCh38, 1-based): chr5:157,472,448, G>C. VCF-style: chr5-157472448-G-C. GRCh37 (hg19) VCF-style: chr5-156899456-G-C.
Other names: c.646G>C, p.Gly216Arg (NM_001172292.2); short protein forms G216R, G235R.
Identifiers: ClinVar variation 3698669 (VCV003698669.3).